The following is an entry in ClinVar:

ClinVar aggregate classification (germline): Uncertain significance. Review status: criteria provided, multiple submitters, no conflicts (2 of 4 stars). 2 submissions from 2 submitters: Uncertain significance (2). Last evaluated 2026-02-01.

Submissions (2):

CeGaT Center for Human Genetics Tuebingen
Classification: Uncertain significance. Last evaluated: 2026-02-01. Review status: criteria provided, single submitter. Criteria: CeGaT Center For Human Genetics Tuebingen Variant Classification Criteria Version 2. Collection method: clinical testing. Allele origin: germline. Affected: yes. Observed: 2 variant alleles.
Comment: TK2: PM2, PM3

Labcorp Genetics (formerly Invitae), Labcorp
Classification: Uncertain significance. Last evaluated: 2021-06-16. Review status: criteria provided, single submitter. Criteria: Invitae Variant Classification Sherloc (09022015). Collection method: clinical testing. Allele origin: germline.
Comment: This variant has not been reported in the literature in individuals with TK2-related conditions. This sequence change replaces methionine with threonine at codon 98 of the TK2 protein (p.Met98Thr). The methionine residue is highly conserved and there is a moderate physicochemical difference between methionine and threonine. This variant is not present in population databases (ExAC no frequency). Algorithms developed to predict the effect of missense changes on protein structure and function are either unavailable or do not agree on the potential impact of this missense change (SIFT: "Deleterious"; PolyPhen-2: "Possibly Damaging"; Align-GVGD: "Class C0"). In summary, the available evidence is currently insufficient to determine the role of this variant in disease. Therefore, it has been classified as a Variant of Uncertain Significance.

NM_004614.5(TK2):c.293T>C (p.Met98Thr)

Gene: TK2 (thymidine kinase 2; minus strand). Cytogenetic location: 16q21.
Variant type: single nucleotide variant.
Coding change: c.293T>C on transcript NM_004614.5 (MANE Select); coding-DNA position 293, T replaced by C.
Protein change: p.Met98Thr; replaces methionine 98 with threonine.
Molecular consequence: missense variant. On other transcripts: initiator codon variant (1), non-coding transcript variant (1).
Genome position (GRCh38, 1-based): chr16:66,531,462, A>G on the plus strand (T>C on the coding strand, the complement: TK2 is on the minus strand). VCF-style: chr16-66531462-A-G. GRCh37 (hg19) VCF-style: chr16-66565365-A-G.
Other names: c.200T>C, p.Met67Thr (NM_001172643.1, NM_001271935.1); c.218T>C, p.Met73Thr (NM_001172644.2); c.239T>C, p.Met80Thr (NM_001172645.2); c.146T>C, p.Met49Thr (NM_001271934.2); c.2T>C, p.Met1Thr (NM_001272050.2); short protein forms M98T, M49T, M67T, M1T, M73T, M80T.
Identifiers: ClinVar variation 1468743 (VCV001468743.22), dbSNP rs2144409890, ClinGen allele CA396190691.
Genomic context (GRCh38, chr16:66,531,462, plus strand): 5'-AGCATGGTGAGCTGCACATAAGTCTGTAGCGTAAGACCCCAGCGAGAGGCATCGTGGTAC[A>G]TCAGGCCCTGCAGAAGGGAAAACACAGCACTTTCCATCAAAGTGGCATCTGCAGGAGGAC-3'
Protein context (NP_004605.4, residues 88-108): NVRGHNPLGL[Met98Thr]YHDASRWGLT